The following continues an entry in ClinVar:

NM_007294.4(BRCA1):c.1824_1826del (p.Lys608del)

Gene: BRCA1. ClinVar aggregate classification (germline): Conflicting classifications of pathogenicity. Uncertain significance (10); Benign (1).

Submissions 10 to 13 of 13:

Women's Health and Genetics/Laboratory Corporation of America, LabCorp
Classification: Uncertain significance. Last evaluated: 2017-07-03. Review status: criteria provided, single submitter. Criteria: LabCorp Variant Classification Summary - May 2015. Collection method: clinical testing. Allele origin: germline.
Comment: Variant summary: The BRCA1 c.1824_1826delGAA (p.Lys608del) variant involves the in-frame deletion of 3 nucleotides. One in silico tool predicts a polymorphism outcome for this variant. This variant was found in 4/121088 control chromosomes at a frequency of 0.000033, which does not exceed the estimated maximal expected allele frequency of a pathogenic BRCA1 variant (0.0010005). In addition, multiple clinical diagnostic laboratories/reputable databases classified this variant as uncertain significance. One reputable database cites the variant in an individual who also carries a pathogenic BRCA1 variant (BRCA1 c.3481_3491del [p.Glu1161PhefsX3]), suggesting the variant of interest is benign. The variant of interest has not, to our knowledge, been reported in affected individuals via publications nor evaluated for functional impact by in vivo/vitro studies. Taken together, the variant is classified as a VUS-possibly benign until additional information becomes available.

Laboratory of Molecular Diagnosis of Cancer, West China Hospital, Sichuan University
Classification: Uncertain significance for Breast neoplasm. Last evaluated: 2015-11-01. Review status: criteria provided, single submitter. Criteria: ACMG Guidelines, 2015. Collection method: research. Allele origin: germline. Affected: yes. Observed: 1 variant allele.

BRCAlab, Lund University
Classification: Uncertain significance for Breast-ovarian cancer, familial, susceptibility to, 1. Last evaluated: 2020-03-02. Review status: no assertion criteria provided. Collection method: clinical testing. Allele origin: germline. Affected: yes. Not counted in ClinVar's aggregate classification.

Department of Pathology and Laboratory Medicine, Sinai Health System
Classification: Uncertain significance. Review status: no assertion criteria provided. Collection method: clinical testing. Allele origin: unknown. Affected: yes. Study: The Canadian Open Genetics Repository (COGR). Not counted in ClinVar's aggregate classification.
Comment: The BRCA1 p.Lys608del variant was identified in 1 of 1014 proband chromosomes (frequency: 0.001) from individuals or families with breast cancer (Zhong 2016). The variant was also identified in dbSNP (ID: rs587781614) as "With Uncertain significance allele", ClinVar (classified as uncertain significance by Ambry Genetics, Invitae, Integrated Genetics/Laboratory Corporation of America, LMDC), Clinvitae, LOVD 3.0 (4x classified as VUS), and UMD-LSDB (1x as unclassified variant ) databases. In UMD the variant was identified with a co-occurring pathogenic BRCA1 variant (c.3481_3491del, p.Glu1161PhefsX3), increasing the likelihood that the p.Lys608del variant does not have clinical significance. The variant was not identified in GeneInsight-COGR, Cosmic, BIC Database, ARUP Laboratories, or Zhejiang University databases. The variant was not identified in the following control databases: the 1000 Genomes Project, the NHLBI GO Exome Sequencing Project, the Exome Aggregation Consortium (August 8th 2016), or the Genome Aggregation Database (Feb 27, 2017). This variant is an in-frame deletion resulting in the removal of a lysine (lys) residue at codon 608; the impact of this alteration on BRCA1 protein function is not known. The variant occurs outside of the splicing consensus sequence and 1 of 5 in silico or computational prediction software programs (SpliceSiteFinder, MaxEntScan, NNSPLICE, GeneSplicer, HumanSpliceFinder) predict a greater than 10% difference in splicing; this is not very predictive of pathogenicity. In summary, based on the above information the clinical significance of this variant cannot be determined with certainty at this time. This variant is classified as a variant of uncertain significance.

Literature cited by the submitters: PubMed 27257965 (cited by 4 submitters); PubMed 34981296 (cited by Labcorp Genetics (formerly Invitae), Labcorp); PubMed 37937776 (cited by Labcorp Genetics (formerly Invitae), Labcorp); PubMed 32546644 (cited by Labcorp Genetics (formerly Invitae), Labcorp); PubMed 31131967 (cited by Color Diagnostics, LLC DBA Color Health and All of Us Research Program, National Institutes of Health).